The following is an entry in ClinVar:

NM_001543.5(NDST1):c.1130T>C (p.Leu377Pro)

Gene: NDST1 (N-deacetylase and N-sulfotransferase 1; plus strand). Cytogenetic location: 5q33.1.
Variant type: single nucleotide variant.
Coding change: c.1130T>C on transcript NM_001543.5 (MANE Select); coding-DNA position 1130, T replaced by C.
Protein change: p.Leu377Pro; replaces leucine 377 with proline.
Molecular consequence: missense variant.
Genome position (GRCh38, 1-based): chr5:150,534,900, T>C. VCF-style: chr5-150534900-T-C. GRCh37 (hg19) VCF-style: chr5-149914462-T-C.
Other names: c.1130T>C, p.Leu377Pro (NM_001301063.2); short protein forms L377P.
Identifiers: ClinVar variation 4881114 (VCV004881114.2).

ClinVar aggregate classification (germline): Uncertain significance (1 of 4 stars; one submission).

Submission:

Dasa
Classification: Uncertain significance. Last evaluated: 2024-09-03. Review status: criteria provided, single submitter. Criteria: DASA Assertion Criteria. Collection method: clinical testing. Allele origin: germline.
Comment: NM_001543.5(NDST1):c.1130T>C (p.Leu377Pro) is a missense variant that results in the substitution of leucine with proline. This variant is absent from population databases. Computational prediction algorithms are consistent with a deleterious effect. The currently available literature and clinical evidence are not sufficient to establish a definitive association between this variant and the reported condition. Therefore, this variant is classified as a variant of uncertain significance.